The following is an entry in ClinVar:

NM_006231.4(POLE):c.389A>T (p.Lys130Ile)

Gene: POLE (DNA polymerase epsilon, catalytic subunit; minus strand). Cytogenetic location: 12q24.33.
Variant type: single nucleotide variant.
Coding change: c.389A>T on transcript NM_006231.4 (MANE Select); coding-DNA position 389, A replaced by T.
Protein change: p.Lys130Ile; replaces lysine 130 with isoleucine.
Molecular consequence: missense variant.
Genome position (GRCh38, 1-based): chr12:132,679,988, T>A on the plus strand (A>T on the coding strand, the complement: POLE is on the minus strand). VCF-style: chr12-132679988-T-A. GRCh37 (hg19) VCF-style: chr12-133256574-T-A.
Other names: short protein forms K130I.
Identifiers: ClinVar variation 5027048 (VCV005027048.1).

ClinVar aggregate classification (germline): Uncertain significance (1 of 4 stars; one submission).

Conditions:
Hereditary cancer-predisposing syndrome. Also called: Neoplastic Syndromes, Hereditary; Tumor predisposition; Hereditary neoplastic syndrome; Hereditary Cancer Syndrome. Identifiers: Orphanet 140162, MedGen C0027672, MeSH D009386, MONDO:0015356.

Submission:

Ambry Genetics
Classification: Uncertain significance for Hereditary cancer-predisposing syndrome. Last evaluated: 2026-06-20. Review status: criteria provided, single submitter. Criteria: Ambry Variant Classification Scheme 2023. Collection method: clinical testing. Allele origin: germline.
Comment: The p.K130I variant (also known as c.389A>T), located in coding exon 5 of the POLE gene, results from an A to T substitution at nucleotide position 389. The lysine at codon 130 is replaced by isoleucine, an amino acid with dissimilar properties. This amino acid position is conserved. In addition, this alteration is predicted to be tolerated by in silico analysis. Based on the available evidence, the clinical significance of this variant remains unclear.